The following is an entry in ClinVar:

ClinVar aggregate classification (germline): Uncertain significance (1 of 4 stars; one submission).

Conditions:
Severe X-linked myotubular myopathy (CNMX). Also called: MYOTUBULAR MYOPATHY 1; Myotubular myopathy, X-linked; X-linked centronuclear myopathy. Identifiers: Orphanet 596, MedGen C0410203, MONDO:0010683, OMIM 310400.

Allele frequency attached by ClinVar (database versions not stated): ExAC 0.00001; gnomAD 0.00001; gnomAD exomes 0.00001; TOPMed 0.00001.
gnomAD v4.1: 9 of 1,196,053 alleles (0.00075%); highest among the groups gnomAD compares: Admixed American, 0.0022%; no homozygotes.

Submission:

Labcorp Genetics (formerly Invitae), Labcorp
Classification: Uncertain significance for Severe X-linked myotubular myopathy. Last evaluated: 2021-09-01. Review status: criteria provided, single submitter. Criteria: Invitae Variant Classification Sherloc (09022015). Collection method: clinical testing. Allele origin: germline.
Comment: This sequence change replaces alanine with threonine at codon 99 of the MTM1 protein (p.Ala99Thr). The alanine residue is moderately conserved and there is a small physicochemical difference between alanine and threonine. This variant is present in population databases (rs782527127, ExAC 0.01%). This variant has not been reported in the literature in individuals affected with MTM1-related conditions. Algorithms developed to predict the effect of missense changes on protein structure and function (SIFT, PolyPhen-2, Align-GVGD) all suggest that this variant is likely to be tolerated. In summary, the available evidence is currently insufficient to determine the role of this variant in disease. Therefore, it has been classified as a Variant of Uncertain Significance.

NM_000252.3(MTM1):c.295G>A (p.Ala99Thr)

Gene: MTM1 (myotubularin 1; plus strand). Cytogenetic location: Xq28.
Variant type: single nucleotide variant.
Coding change: c.295G>A on transcript NM_000252.3 (MANE Select); coding-DNA position 295, G replaced by A.
Protein change: p.Ala99Thr; replaces alanine 99 with threonine.
Molecular consequence: missense variant. On other transcripts: intron variant (1).
Genome position (GRCh38, 1-based): chrX:150,614,652, G>A. VCF-style: chrX-150614652-G-A. GRCh37 (hg19) VCF-style: chrX-149783125-G-A.
Other names: c.295G>A, p.Ala99Thr (NM_001376906.1, NM_001376908.1); c.232-4386G>A (NM_001376907.1); short protein forms A99T.
Identifiers: ClinVar variation 2098627 (VCV002098627.1), dbSNP rs782527127, ClinGen allele CA10539075.
Genomic context (GRCh38, chrX:150,614,652, plus strand): 5'-TCTTCTCTAATACTTGATGTTCCTCTGGGTGTGATCTCGAGAATTGAAAAAATGGGAGGC[G>A]CGACAAGTAGAGGAGAAAATTCCTATGGTCTAGATATTACTTGTAAAGTAAGAGATTCGA-3'
Protein context (NP_000243.1, residues 89-109): VISRIEKMGG[Ala99Thr]TSRGENSYGL